The following is an entry in ClinVar:

NM_006070.6(TFG):c.851A>C (p.Gln284Pro)

Gene: TFG (trafficking from ER to golgi regulator; plus strand). Cytogenetic location: 3q12.2.
Variant type: single nucleotide variant.
Coding change: c.851A>C on transcript NM_006070.6 (MANE Select); coding-DNA position 851, A replaced by C.
Protein change: p.Gln284Pro; replaces glutamine 284 with proline.
Molecular consequence: missense variant.
Genome position (GRCh38, 1-based): chr3:100,748,179, A>C. VCF-style: chr3-100748179-A-C. GRCh37 (hg19) VCF-style: chr3-100467023-A-C.
Other names: c.851A>C, p.Gln284Pro (NM_001007565.2, NM_001195478.2); c.839A>C, p.Gln280Pro (NM_001195479.2); short protein forms Q280P, Q284P.
Identifiers: ClinVar variation 3758882 (VCV003758882.2).
Genomic context (GRCh38, chr3:100,748,179, plus strand): 5'-AGATACATGTTATTTATTTTGCCTTTTCAGCAAGCTATAGTCAGCAGACTGGACCTCAAC[A>C]ACCTCAGCAGTTCCAGGGATATGGCCAGCAACCAACTTCCCAGGCACCAGCTCCTGCCTT-3'
Protein context (NP_006061.2, residues 274-294): ASYSQQTGPQ[Gln284Pro]PQQFQGYGQQ

ClinVar aggregate classification (germline): Uncertain significance (1 of 4 stars; one submission).

Conditions:
Hereditary motor and sensory neuropathy, Okinawa type (HMSNO). Also called: HEREDITARY MOTOR AND SENSORY NEUROPATHY, PROXIMAL TYPE. Identifiers: Orphanet 90117, MedGen C1858338, MONDO:0011468, OMIM 604484.
Hereditary spastic paraplegia 57. Also called: Spastic paraplegia 57, autosomal recessive. Identifiers: Orphanet 431329, MedGen C3714897, MONDO:0014295, OMIM 615658.

gnomAD v4.1: 6 of 1,614,054 alleles (0.00037%); highest among the groups gnomAD compares: Non-Finnish European, 0.00051%; no homozygotes.

Submission:

Labcorp Genetics (formerly Invitae), Labcorp
Classification: Uncertain significance for Hereditary motor and sensory neuropathy, Okinawa type; Hereditary spastic paraplegia 57. Last evaluated: 2024-10-03. Review status: criteria provided, single submitter. Criteria: Invitae Variant Classification Sherloc (09022015). Collection method: clinical testing. Allele origin: germline.
Comment: This sequence change replaces glutamine, which is neutral and polar, with proline, which is neutral and non-polar, at codon 284 of the TFG protein (p.Gln284Pro). This variant is not present in population databases (gnomAD no frequency). This variant has not been reported in the literature in individuals affected with TFG-related conditions. Invitae Evidence Modeling of protein sequence and biophysical properties (such as structural, functional, and spatial information, amino acid conservation, physicochemical variation, residue mobility, and thermodynamic stability) indicates that this missense variant is not expected to disrupt TFG protein function with a negative predictive value of 80%. In summary, the available evidence is currently insufficient to determine the role of this variant in disease. Therefore, it has been classified as a Variant of Uncertain Significance.